The following is an entry in ClinVar:

ClinVar aggregate classification (germline): Pathogenic/Likely pathogenic. Review status: criteria provided, multiple submitters, no conflicts (2 of 4 stars). 4 submissions from 4 submitters: Pathogenic (2); Likely pathogenic (2). Last evaluated 2025-06-29.

Conditions:
Hereditary spastic paraplegia 4. Also called: Spastic Paraplegia 4; Familial spastic paraplegia autosomal dominant 2; Spastic paraplegia 4, autosomal dominant. Identifiers: Orphanet 100985, MedGen C1866855, MONDO:0008438, OMIM 182601.
SPAST-related disorder. Also called: SPAST-related condition.

Submissions (4):

Labcorp Genetics (formerly Invitae), Labcorp
Classification: Pathogenic for Hereditary spastic paraplegia 4. Last evaluated: 2025-06-29. Review status: criteria provided, single submitter. Criteria: Invitae Variant Classification Sherloc (09022015). Collection method: clinical testing. Allele origin: germline.
Comment: This sequence change creates a premature translational stop signal (p.Phe403Leufs*3) in the SPAST gene. It is expected to result in an absent or disrupted protein product. Loss-of-function variants in SPAST are known to be pathogenic (PMID: 20932283). This variant is not present in population databases (gnomAD no frequency). This variant has not been reported in the literature in individuals affected with SPAST-related conditions. ClinVar contains an entry for this variant (Variation ID: 444492). For these reasons, this variant has been classified as Pathogenic.

Blueprint Genetics
Classification: Likely pathogenic for SPAST-related disorders. Last evaluated: 2019-11-29. Review status: criteria provided, single submitter. Criteria: ACMG Guidelines, 2015. Collection method: clinical testing. Allele origin: germline. Affected: yes. Observed: 2 variant alleles.

Athena Diagnostics
Classification: Pathogenic. Last evaluated: 2017-05-25. Review status: criteria provided, single submitter. Criteria: Athena Diagnostics Criteria. Collection method: clinical testing. Allele origin: germline.

CeGaT Center for Human Genetics Tuebingen
Classification: Likely pathogenic. Last evaluated: 2017-05-01. Review status: criteria provided, single submitter. Criteria: CeGaT Center For Human Genetics Tuebingen Variant Classification Criteria Version 2. Collection method: clinical testing. Allele origin: germline. Affected: yes. Observed: 1 variant allele.

Literature cited by the submitters: PubMed 20932283 (cited by Labcorp Genetics (formerly Invitae), Labcorp).

NM_014946.4(SPAST):c.1209_1212del (p.Phe403fs)

Gene: SPAST (spastin; plus strand). Cytogenetic location: 2p22.3.
Variant type: Deletion.
Coding change: c.1209_1212del on transcript NM_014946.4 (MANE Select); coding-DNA positions 1209 to 1212, 4 bases deleted (CTTT; older notation c.1209_1212delCTTT).
Protein change: p.Phe403fs; shifts the reading frame from phenylalanine 403.
Molecular consequence: frameshift variant.
Genome position (GRCh38, 1-based): chr2:32,128,443-32,128,446, CTTT deleted; deleting any 4 consecutive bases within chr2:32,128,441-32,128,446 gives the same sequence; the c. name uses the placement nearest the transcript's 3' end. VCF-style (leftmost placement, unchanged base first): chr2-32128440-CTTCT-C. GRCh37 (hg19) VCF-style: chr2-32353509-CTTCT-C.
Other names: c.1206_1209del, p.Phe402fs (NM_001363823.2); c.1110_1113del, p.Phe370fs (NM_001363875.2); c.1113_1116del, p.Phe371fs (NM_001377959.1, NM_199436.2); short protein forms F371fs, F370fs, F402fs.
Identifiers: ClinVar variation 444492 (VCV000444492.46), dbSNP rs1553317029, ClinGen allele CA658653746.
Genomic context (GRCh38, chr2:32,128,440, plus strand): 5'-TTAATATTTGCTCTTGTGATTTTTAAAGGCTAAAGCAGTAGCTGCAGAATCGAATGCAAC[CTTCT>C]TTAATATAAGTGCTGCAAGTTTAACTTCAAAATACGTGAGTGCTCTGTTTCCAATATTGT-3'